The following is an entry in ClinVar:

NM_000053.4(ATP7B):c.2304dup (p.Met769fs)

Gene: ATP7B (ATPase copper transporting beta; minus strand). Cytogenetic location: 13q14.3.
Variant type: Duplication.
Coding change: c.2304dup on transcript NM_000053.4 (MANE Select); coding-DNA position 2304, one base duplicated (C; older notation c.2304dupC).
Protein change: p.Met769fs; shifts the reading frame from methionine 769.
Molecular consequence: frameshift variant. On other transcripts: intron variant (2).
Genome position (GRCh38, 1-based): chr13:51,958,362, G duplicated on the plus strand (C on the coding strand, the reverse complement: ATP7B is on the minus strand); the first of 6 consecutive G bases (chr13:51,958,362-51,958,367); duplicating any one gives the same sequence. VCF-style (leftmost placement, unchanged base first): chr13-51958361-T-TG. GRCh37 (hg19) VCF-style: chr13-52532497-T-TG.
Other names: 2299insC; c.1971dup, p.Met658fs (NM_001243182.2); c.2052dup, p.Met685fs (NM_001330579.2); c.1870-755dup (NM_001005918.3); c.2122-755dup (NM_001330578.2); c.2304dupC (NM_000053.2, NM_000053.3, NM_000053.4); short protein forms M658fs, M685fs, M769fs.
Identifiers: ClinVar variation 456552 (VCV000456552.97), dbSNP rs137853287, ClinGen allele CA270732.
Genomic context (GRCh38, chr13:51,958,361, plus strand): 5'-CTGCTGTTACCTTTGCCAAGTGTTCCAGCCACCGGCCCAGGGCAATGAACACAAAGAGCA[T>TG]GGGGGGCGTGTCGAAGAATGTCACAGGGCTCCTCTCCGCCTTCTCAGCCACAGCAACCAC-3'

ClinVar aggregate classification (germline): Pathogenic/Likely pathogenic. Review status: criteria provided, multiple submitters, no conflicts (2 of 4 stars). 32 submissions from 32 submitters: Pathogenic (29); Likely pathogenic (1). 2 of the submissions do not count toward it. Last evaluated 2026-07-01.

Conditions:
ATP7B-related disorder. Also called: ATP7B-related condition.
Inborn genetic diseases. Identifiers: MedGen C0950123, MeSH D030342.
Wilson disease (WND). Also called: Wilson's disease. Identifiers: Orphanet 905, MedGen C0019202, MONDO:0010200, OMIM 277900. Disease mechanism: loss of function.

Submissions 1 to 11 of 32:

CeGaT Center for Human Genetics Tuebingen
Classification: Pathogenic. Last evaluated: 2026-07-01. Review status: criteria provided, single submitter. Criteria: CeGaT Center For Human Genetics Tuebingen Variant Classification Criteria Version 2. Collection method: clinical testing. Allele origin: germline. Affected: yes. Observed: 9 variant alleles.
Comment: ATP7B: PM3:Very Strong, PVS1, PM2, PP4

PreventionGenetics, part of Exact Sciences
Classification: Pathogenic for ATP7B-related condition. Last evaluated: 2026-02-25. Review status: criteria provided, single submitter. Criteria: ACMG Guidelines, 2015. Collection method: clinical testing. Allele origin: germline.
Comment: The ATP7B c.2304dupC variant is predicted to result in a frameshift and premature protein termination (p.Met769Hisfs*26). This variant has been repeatedly documented to be causative for Wilson disease in the literature (see for example, Shah et al. 1997. PubMed ID: 9311736; Yu et al. 2017. PubMed ID: 28212618; Balashova et al. 2020. PubMed ID: 31708252). In addition, this variant is interpreted as pathogenic in ClinVar by several clinical laboratories (Variation ID: 456552). This variant is reported in 0.016% of alleles in individuals of European (non-Finnish) descent in gnomAD. Frameshift variants in ATP7B are expected to be pathogenic. Based on the collective evidence, this variant is interpreted as pathogenic.

Dasa
Classification: Pathogenic. Last evaluated: 2026-02-10. Review status: criteria provided, single submitter. Criteria: DASA Assertion Criteria. Collection method: clinical testing. Allele origin: germline.
Comment: NM_000053.4(ATP7B):c.2304dup (p.Met769HisfsTer26) is a frameshift variant in ATP7B predicted to alter the reading frame and introduce a premature termination codon and is predicted to result in an absent or altered protein product. Loss of function is an established disease mechanism for ATP7B-associated disorders. Segregation data support an association with disease in the reported family/families (PMID: 8533760; PMID: 9311736; PMID: 24897373; PMID: 26253413). This variant has been recurrently observed in individuals with ATP7B-related disorders (PMID: 8533760; PMID: 9311736; PMID: 24897373; PMID: 26253413). Functional evidence supports an impact on the gene or gene product (PMID: 8533760; PMID: 9311736; PMID: 24897373; PMID: 26253413). Also, this variant is rare in population databases. Based on the currently available evidence, this variant is classified as pathogenic.

Labcorp Genetics (formerly Invitae), Labcorp
Classification: Pathogenic for Wilson disease. Last evaluated: 2026-01-26. Review status: criteria provided, single submitter. Criteria: Invitae Variant Classification Sherloc (09022015). Collection method: clinical testing. Allele origin: germline.
Comment: This sequence change creates a premature translational stop signal (p.Met769Hisfs*26) in the ATP7B gene. It is expected to result in an absent or disrupted protein product. Loss-of-function variants in ATP7B are known to be pathogenic (PMID: 10441329, 16283883). This variant is present in population databases (rs780558532, gnomAD 0.02%). This premature translational stop signal has been observed in individual(s) with Wilson disease (PMID: 15024742, 20517649, 21796144, 22735241, 24897373, 25390358; internal data). It has also been observed to segregate with disease in related individuals. ClinVar contains an entry for this variant (Variation ID: 456552). For these reasons, this variant has been classified as Pathogenic.

Natera, Inc.
Classification: Pathogenic for Wilson disease. Last evaluated: 2025-12-26. Review status: criteria provided, single submitter. Criteria: Natera Variant Classification Schema (03/2026). Collection method: clinical testing. Allele origin: germline.
Comment: The c.2304dupC variant in ATP7B is a frameshift variant predicted to shift the reading frame beginning at codon 769 and leads to a stop codon 26 codons downstream. This variant is expected to result in nonsense mediated decay, truncation, or a dysfunctional protein product. This variant is rare in the general population with a frequency below the threshold expected for the associated phenotype(s). This variant has been observed in one or more individuals affected with the associated recessive disease, as either homozygous or compound heterozygous with a second variant (PMID: 25089800, 24475083). Given the available evidence, this variant is classified as Pathogenic.

Immunogenetics and Transplant Biology Service, University Hospital "Città della Salute e della Scienza di Torino"
Classification: Likely pathogenic for Wilson disease. Last evaluated: 2025-06-28. Review status: criteria provided, single submitter. Criteria: ACMG Guidelines, 2015. Collection method: clinical testing. Allele origin: germline. Affected: yes.

First Genomix Gene Laboratory, Genetic Diagnostics Department
Classification: Pathogenic for Wilson disease. Last evaluated: 2025-06-19. Review status: criteria provided, single submitter. Criteria: ACMG Guidelines, 2015. Collection method: clinical testing. Allele origin: germline. Inheritance: Autosomal recessive inheritance. Affected: no. Observed: 1 variant allele.

ARUP Laboratories, Molecular Genetics and Genomics, ARUP Laboratories
Classification: Pathogenic for Wilson disease. Last evaluated: 2025-05-21. Review status: criteria provided, single submitter. Criteria: ARUP Molecular Germline Variant Investigation Process 2024. Collection method: clinical testing. Allele origin: germline.
Comment: The ATP7B c.2304dup; p.Met769HisfsTer26 variant (rs137853287, ClinVar Variation ID: 456552), also known as 2299insC or 2304_2305insC, is a recurrent alteration found in patients diagnosed with Wilson disease and is reported to co-segregate with disease (Cocos 2014, Hua 2016, Thomas 1995, Usta 2014). This variant is found in the general population with an overall allele frequency of 0.01% (32/280946 alleles) in the Genome Aggregation Database (v2.1.1). This variant causes a frameshift by duplicating a single nucleotide, so it is predicted to result in a truncated protein or mRNA subject to nonsense-mediated decay. Based on available information, this variant is considered to be pathogenic. References: Cocos R et al. Genotype-phenotype correlations in a mountain population community with high prevalence of Wilson's disease: genetic and clinical homogeneity. PLoS One. 2014 Jun 4;9(6):e98520. PMID: 24897373. Hua R et al. Mutational analysis of ATP7B in Chinese Wilson disease patients. Am J Transl Res. 2016 Jun 15;8(6):2851-61. PMID: 27398169. Thomas GR et al. The Wilson disease gene: spectrum of mutations and their consequences. Nat Genet. 1995 Feb;9(2):210-7. PMID: 7626145. Usta J et al. Phenotype-genotype correlation in Wilson disease in a large Lebanese family: association of c.2299insC with hepatic and of p. Ala1003Thr with neurologic phenotype. PLoS One. 2014 Nov 12;9(11):e109727. PMID: 25390358.

Mayo Clinic Laboratories, Mayo Clinic
Classification: Pathogenic. Last evaluated: 2025-04-21. Review status: criteria provided, single submitter. Criteria: ACMG Guidelines, 2015. Collection method: clinical testing. Allele origin: germline. Observed: 5 variant alleles.
Comment: PP4, PM2_supporting, PM3, PS4, PVS1

Lildballe Lab, Aarhus University Hospital
Classification: Pathogenic for Wilson disease. Last evaluated: 2024-08-29. Review status: criteria provided, single submitter. Criteria: ACMG Guidelines, 2015. Collection method: clinical testing. Allele origin: germline. Affected: yes.
Comment: PVS1, PP5, PM2

All of Us Research Program, National Institutes of Health
Classification: Pathogenic for Wilson disease. Last evaluated: 2024-08-06. Review status: criteria provided, single submitter. Criteria: ACMG Guidelines, 2015. Collection method: clinical testing. Allele origin: germline. Inheritance: Autosomal recessive inheritance. Observed: 36 variant alleles, 36 heterozygotes.
Comment: This variant inserts 1 nucleotide in exon 8 of the ATP7B gene, creating a frameshift and premature translation stop signal. This variant is expected to result in an absent or non-functional protein product. This variant has been reported in many individuals affected with Wilson disease, including in the compound heterozygous or homozygous state (PMID: 8533760, 9311736, 15024742, 16283883, 20517649, 21796144, 22735241, 23551039, 24897373, 25390358, 26253413, 26799313, 28717664, 30702195, 30884209, 31708252, 33804940, 34400371; DOI: 10.1016/j.ymgmr.2022.100861). Lymphoblast cells derived from an individual homozygous for this variant showed loss of copper-stimulated ATPase activity (PMID: 9311736). This variant co-segregated with Wilson disease and demonstrated a recessive inheritance pattern in large families from Romania and Lebanon (PMID: 24897373, 25390358). This variant has been identified in 32/280946 chromosomes in the general population by the Genome Aggregation Database (gnomAD). Loss of ATP7B function is a known mechanism of disease. Based on the available evidence, this variant is classified as Pathogenic.

This study involves interpretation of variants in research participants for the purpose of population health screening. Participant phenotype was not available at the time of variant classification. Additional details can be found in publication PMID: 35346344, PMCID: PMC8962531